The following is an entry in ClinVar:

NM_032119.4(ADGRV1):c.18906C>T (p.Ala6302=)

Gene: ADGRV1 (adhesion G protein-coupled receptor V1; plus strand). Cytogenetic location: 5q14.3.
Variant type: single nucleotide variant.
Coding change: c.18906C>T on transcript NM_032119.4 (MANE Select); coding-DNA position 18906, C replaced by T.
Protein change: p.Ala6302=; no amino-acid change (alanine 6302 retained).
Molecular consequence: synonymous variant. On other transcripts: non-coding transcript variant (1).
Genome position (GRCh38, 1-based): chr5:91,163,885, C>T. VCF-style: chr5-91163885-C-T. GRCh37 (hg19) VCF-style: chr5-90459702-C-T.
Identifiers: ClinVar variation 792327 (VCV000792327.22), dbSNP rs369528456, ClinGen allele CA3342777.

ClinVar aggregate classification (germline): Conflicting classifications of pathogenicity. Review status: criteria provided, conflicting classifications (1 of 4 stars). 5 submissions from 5 submitters: Uncertain significance (1); Likely benign (4). Last evaluated 2026-04-01.

Conditions:
Usher syndrome type 2C. Also called: Usher syndrome, type 2B; USHER SYNDROME, TYPE IIC. Identifiers: Orphanet 231178, Orphanet 886, MedGen C2931213, MONDO:0011558, OMIM 605472.
ADGRV1-related disorder. Also called: ADGRV1-related condition; ADGRV1-related disorders.

Allele frequency attached by ClinVar (database versions not stated): TOPMed 0.00007; ESP Exome Variant Server 0.00008; gnomAD exomes 0.00008; ExAC 0.00010; gnomAD 0.00010.
gnomAD v4.1: 203 of 1,544,114 alleles (0.013%); highest among the groups gnomAD compares: Non-Finnish European, 0.017%; no homozygotes.

Submissions (5):

CeGaT Center for Human Genetics Tuebingen
Classification: Likely benign. Last evaluated: 2026-04-01. Review status: criteria provided, single submitter. Criteria: CeGaT Center For Human Genetics Tuebingen Variant Classification Criteria Version 2. Collection method: clinical testing. Allele origin: germline. Affected: yes. Observed: 2 variant alleles.
Comment: ADGRV1: BP4, BP7

Labcorp Genetics (formerly Invitae), Labcorp
Classification: Likely benign. Last evaluated: 2026-01-14. Review status: criteria provided, single submitter. Criteria: Invitae Variant Classification Sherloc (09022015). Collection method: clinical testing. Allele origin: germline.

PreventionGenetics, part of Exact Sciences
Classification: Likely benign for ADGRV1-related condition. Last evaluated: 2025-07-07. Review status: criteria provided, single submitter. Criteria: ACMG Guidelines, 2015. Collection method: clinical testing. Allele origin: germline.
Comment: This variant is classified as likely benign based on ACMG/AMP sequence variant interpretation guidelines (Richards et al. 2015 PMID: 25741868, with internal and published modifications).

Blueprint Genetics
Classification: Likely benign. Last evaluated: 2024-09-14. Review status: criteria provided, single submitter. Criteria: ACMG Guidelines, 2015. Collection method: clinical testing. Allele origin: germline.

Illumina Laboratory Services, Illumina
Classification: Uncertain significance for Usher syndrome type 2C. Last evaluated: 2018-01-12. Review status: criteria provided, single submitter. Criteria: ICSL Variant Classification Criteria 13 December 2019. Collection method: clinical testing. Allele origin: germline.